The following is an entry in ClinVar:

ClinVar aggregate classification (germline): Uncertain significance (1 of 4 stars; one submission).

Conditions:
DIAPH1-related disorder. Also called: DIAPH1-related condition.

Submission:

PreventionGenetics, part of Exact Sciences
Classification: Uncertain significance for DIAPH1-related condition. Last evaluated: 2025-06-11. Review status: criteria provided, single submitter. Criteria: ACMG Guidelines, 2015. Collection method: clinical testing. Allele origin: germline.
Comment: The DIAPH1 c.234T>A variant is predicted to result in the amino acid substitution p.Asp78Glu. To our knowledge, this variant has not been reported in the literature or in a large population database (gnomAD), indicating this variant is rare. At this time, the clinical significance of this variant is uncertain due to the absence of conclusive functional and genetic evidence.

NM_005219.5(DIAPH1):c.234T>A (p.Asp78Glu)

Gene: DIAPH1 (diaphanous related formin 1; minus strand). Cytogenetic location: 5q31.3.
Variant type: single nucleotide variant.
Coding change: c.234T>A on transcript NM_005219.5 (MANE Select); coding-DNA position 234, T replaced by A.
Protein change: p.Asp78Glu; replaces aspartic acid 78 with glutamic acid.
Molecular consequence: missense variant.
Genome position (GRCh38, 1-based): chr5:141,587,108, A>T on the plus strand (T>A on the coding strand, the complement: DIAPH1 is on the minus strand). VCF-style: chr5-141587108-A-T. GRCh37 (hg19) VCF-style: chr5-140966675-A-T.
Other names: c.207T>A, p.Asp69Glu (NM_001079812.3); c.234T>A, p.Asp78Glu (NM_001314007.2); short protein forms D78E, D69E.
Identifiers: ClinVar variation 4997239 (VCV004997239.1).
Genomic context (GRCh38, chr5:141,587,108, plus strand): 5'-CTGTTCAAAGAGAACCAGCACTTGTTCATCTGAAACATCTTGCAATGACTGTGCTGTGGG[A>T]TCATCCCCATATGATGCAGAAGAATTTCTATGAGCAGAATTGGGCTTTTCCTTCTCCTTC-3'
Protein context (NP_005210.3, residues 68-88): HRNSSASYGD[Asp78Glu]PTAQSLQDVS